The following is an entry in ClinVar:

ClinVar aggregate classification (germline): Uncertain significance. Review status: criteria provided, multiple submitters, no conflicts (2 of 4 stars). 4 submissions from 4 submitters: Uncertain significance (3). 1 of the submissions does not count toward it. Last evaluated 2025-01-11.

Conditions:
Retinitis pigmentosa (RP). Identifiers: Orphanet 791, MedGen C0035334, MeSH D012174, MONDO:0019200, OMIM 268000. Inheritance: Autosomal dominant, autosomal recessive and X linked inheritance.
Retinitis pigmentosa 59 (RP59). Identifiers: Orphanet 791, MedGen C3151227, MONDO:0013468, OMIM 613861.

Allele frequency attached by ClinVar (database versions not stated): gnomAD exomes below 0.00001 and 0.00003; gnomAD 0.00001; TOPMed 0.00001.

Submissions (4):

Labcorp Genetics (formerly Invitae), Labcorp
Classification: Uncertain significance for Retinitis pigmentosa 59. Last evaluated: 2025-01-11. Review status: criteria provided, single submitter. Criteria: Invitae Variant Classification Sherloc (09022015). Collection method: clinical testing. Allele origin: germline.
Comment: This sequence change replaces asparagine, which is neutral and polar, with serine, which is neutral and polar, at codon 18 of the DHDDS protein (p.Asn18Ser). This variant is present in population databases (no rsID available, gnomAD 0.0009%). This variant has not been reported in the literature in individuals affected with DHDDS-related conditions. ClinVar contains an entry for this variant (Variation ID: 873595). An algorithm developed to predict the effect of missense changes on protein structure and function (PolyPhen-2) suggests that this variant is likely to be tolerated. In summary, the available evidence is currently insufficient to determine the role of this variant in disease. Therefore, it has been classified as a Variant of Uncertain Significance.

Blueprint Genetics
Classification: Uncertain significance. Last evaluated: 2020-01-21. Review status: criteria provided, single submitter. Criteria: ACMG Guidelines, 2015. Collection method: clinical testing. Allele origin: germline.

Illumina Laboratory Services, Illumina
Classification: Uncertain significance for Retinitis pigmentosa. Last evaluated: 2018-01-12. Review status: criteria provided, single submitter. Criteria: ICSL Variant Classification Criteria 13 December 2019. Collection method: clinical testing. Allele origin: germline.

Natera, Inc.
Classification: Uncertain significance for Retinitis pigmentosa type 59. Last evaluated: 2021-03-09. Review status: no assertion criteria provided. Collection method: clinical testing. Allele origin: germline. Not counted in ClinVar's aggregate classification.

NM_205861.3(DHDDS):c.53A>G (p.Asn18Ser)

Gene: DHDDS (dehydrodolichyl diphosphate synthase subunit; plus strand). Cytogenetic location: 1p36.11.
Variant type: single nucleotide variant.
Coding change: c.53A>G on transcript NM_205861.3 (MANE Select); coding-DNA position 53, A replaced by G.
Protein change: p.Asn18Ser; replaces asparagine 18 with serine.
Molecular consequence: missense variant. On other transcripts: 5 prime UTR variant (1).
Genome position (GRCh38, 1-based): chr1:26,432,998, A>G. VCF-style: chr1-26432998-A-G. GRCh37 (hg19) VCF-style: chr1-26759489-A-G.
Other names: c.53A>G, p.Asn18Ser (NM_001243564.2, NM_001243565.2, NM_024887.4); c.-250A>G (NM_001319959.2); short protein forms N18S.
Identifiers: ClinVar variation 873595 (VCV000873595.12), dbSNP rs922422245, ClinGen allele CA19768725.